The following is an entry in ClinVar:

NM_002181.4(IHH):c.787C>T (p.Gln263Ter)

Gene: IHH (Indian hedgehog signaling molecule; minus strand). Cytogenetic location: 2q35.
Variant type: single nucleotide variant.
Coding change: c.787C>T on transcript NM_002181.4 (MANE Select); coding-DNA position 787, C replaced by T.
Protein change: p.Gln263Ter; replaces glutamine 263 with a stop codon.
Molecular consequence: nonsense.
Genome position (GRCh38, 1-based): chr2:219,055,656, G>A on the plus strand (C>T on the coding strand, the complement: IHH is on the minus strand). VCF-style: chr2-219055656-G-A. GRCh37 (hg19) VCF-style: chr2-219920378-G-A.
Other names: c.787C>T (NM_002181.3); short protein forms Q263*.
Identifiers: ClinVar variation 2505482 (VCV002505482.4), dbSNP rs1212877137, ClinGen allele CA350632122.

ClinVar aggregate classification (germline): Conflicting classifications of pathogenicity. Review status: criteria provided, conflicting classifications (1 of 4 stars). 3 submissions from 3 submitters: Likely pathogenic (1); Uncertain significance (2). Last evaluated 2026-03-11.

Conditions:
Brachydactyly type A1A. Identifiers: MedGen CN295859, MONDO:0020701.

Allele frequency attached by ClinVar (database versions not stated): gnomAD 0.00001; TOPMed 0.00001.

Submissions (3):

GeneDx
Classification: Uncertain significance. Last evaluated: 2026-03-11. Review status: criteria provided, single submitter. Criteria: GeneDx Variant Classification Process June 2021. Collection method: clinical testing. Allele origin: germline.
Comment: Not observed at significant frequency in large population cohorts (gnomAD); Nonsense variant predicted to result in protein truncation as the last 149 amino acids are lost; Has not been previously published as pathogenic or benign to our knowledge

Genomic Medicine Center of Excellence, King Faisal Specialist Hospital and Research Centre
Classification: Uncertain significance for Brachydactyly type A1. Last evaluated: 2024-03-26. Review status: criteria provided, single submitter. Criteria: ACMG Guidelines, 2015. Collection method: clinical testing. Allele origin: germline.

Center for Human Genetics and Genomic Medicine, Uniklinik Rwth Aachen
Classification: Likely pathogenic for Brachydactyly type A1. Review status: criteria provided, single submitter. Criteria: ACMG Guidelines, 2015. Collection method: clinical testing. Allele origin: unknown. Inheritance: Autosomal dominant inheritance. Affected: yes. Observed: 1 heterozygote.